The following is an entry in ClinVar:

ClinVar aggregate classification (germline): Uncertain significance. Review status: criteria provided, multiple submitters, no conflicts (2 of 4 stars). 2 submissions from 2 submitters: Uncertain significance (2). Last evaluated 2026-04-16.

Allele frequency attached by ClinVar (database versions not stated): gnomAD exomes below 0.00001.
gnomAD v4.1: 1 of 1,613,926 alleles (0.000062%); highest among the groups gnomAD compares: African/African-American, 0.0013%; no homozygotes.

Submissions (2):

GeneDx
Classification: Uncertain significance. Last evaluated: 2026-04-16. Review status: criteria provided, single submitter. Criteria: GeneDx Variant Classification Process June 2021. Collection method: clinical testing. Allele origin: germline.
Comment: Not observed at significant frequency in large population cohorts (gnomAD); In silico analysis suggests that this missense variant does not alter protein structure/function; Has not been previously published as pathogenic or benign to our knowledge

Labcorp Genetics (formerly Invitae), Labcorp
Classification: Uncertain significance. Last evaluated: 2025-08-21. Review status: criteria provided, single submitter. Criteria: Invitae Variant Classification Sherloc (09022015). Collection method: clinical testing. Allele origin: germline.
Comment: This sequence change replaces glutamine, which is neutral and polar, with histidine, which is basic and polar, at codon 2999 of the SZT2 protein (p.Gln2999His). This variant is not present in population databases (gnomAD no frequency). This variant has not been reported in the literature in individuals affected with SZT2-related conditions. ClinVar contains an entry for this variant (Variation ID: 2120193). Invitae Evidence Modeling of protein sequence and biophysical properties (such as structural, functional, and spatial information, amino acid conservation, physicochemical variation, residue mobility, and thermodynamic stability) indicates that this missense variant is not expected to disrupt SZT2 protein function with a negative predictive value of 80%. In summary, the available evidence is currently insufficient to determine the role of this variant in disease. Therefore, it has been classified as a Variant of Uncertain Significance.

NM_001365999.1(SZT2):c.9168G>T (p.Gln3056His)

Gene: SZT2 (SZT2 subunit of KICSTOR complex; plus strand). Cytogenetic location: 1p34.2.
Variant type: single nucleotide variant.
Coding change: c.9168G>T on transcript NM_001365999.1 (MANE Select); coding-DNA position 9168, G replaced by T.
Protein change: p.Gln3056His; replaces glutamine 3056 with histidine.
Molecular consequence: missense variant.
Genome position (GRCh38, 1-based): chr1:43,447,050, G>T. VCF-style: chr1-43447050-G-T. GRCh37 (hg19) VCF-style: chr1-43912721-G-T.
Other names: c.8997G>T (NM_015284.3); c.8997G>T, p.Gln2999His (NM_015284.4); c.609G>T, p.Gln203His (NM_024547.1); short protein forms Q203H, Q3056H, Q2999H.
Identifiers: ClinVar variation 2120193 (VCV002120193.5), dbSNP rs2545865613, ClinGen allele CA340042417.